The following is an entry in ClinVar:

NM_000088.4(COL1A1):c.1247G>T (p.Gly416Val)

Gene: COL1A1 (collagen type I alpha 1 chain; minus strand). Cytogenetic location: 17q21.33.
Variant type: single nucleotide variant.
Coding change: c.1247G>T on transcript NM_000088.4 (MANE Select); coding-DNA position 1247, G replaced by T.
Protein change: p.Gly416Val; replaces glycine 416 with valine.
Molecular consequence: missense variant.
Genome position (GRCh38, 1-based): chr17:50,195,284, C>A on the plus strand (G>T on the coding strand, the complement: COL1A1 is on the minus strand). VCF-style: chr17-50195284-C-A. GRCh37 (hg19) VCF-style: chr17-48272645-C-A.
Other names: short protein forms G416V.
Identifiers: ClinVar variation 993947 (VCV000993947.10), dbSNP rs1135401953, ClinGen allele CA400218790.

ClinVar aggregate classification (germline): Pathogenic/Likely pathogenic. Review status: criteria provided, multiple submitters, no conflicts (2 of 4 stars). 2 submissions from 2 submitters: Pathogenic (1); Likely pathogenic (1). Last evaluated 2023-02-16.

Conditions:
Osteogenesis imperfecta (OI). Identifiers: Orphanet 666, MedGen C0029434, MeSH D010013, MONDO:0019019.

Submissions (2):

Genetics Department, Polish Mother's Memorial Hospital Research Institute
Classification: Pathogenic for Osteogenesis imperfecta. Last evaluated: 2023-02-16. Review status: criteria provided, single submitter. Criteria: ACMG Guidelines, 2015. Collection method: research. Allele origin: germline. Affected: yes. Observed: 1 variant allele.

ARUP Laboratories, Molecular Genetics and Genomics, ARUP Laboratories
Classification: Likely pathogenic. Last evaluated: 2019-12-10. Review status: criteria provided, single submitter. Criteria: ARUP Molecular Germline Variant Investigation Process. Collection method: clinical testing. Allele origin: germline.
Comment: The COL1A1 c.1247G>T; p.Gly416Val variant, to our knowledge, is not reported in the medical literature or gene specific databases. This variant is also absent from general population databases (Exome Variant Server, Genome Aggregation Database), indicating it is not a common polymorphism. The glycine at codon 416 is highly conserved, and computational analyses (SIFT, PolyPhen-2) predict that this variant is deleterious. This codon is located in a triple helix repeat domain, and glycine substitutions are the most frequent pathogenic alterations in this region (Ben Amor 2011). Additionally, several other surrounding glycine substitutions in this exon have been reported in individuals affected with osteogenesis imperfect types II and IV and are considered pathogenic (Marini 2007). Based on available information, this variant is considered to be likely pathogenic. References: Ben Amor I et al. Genotype-phenotype correlations in autosomal dominant osteogenesis imperfecta. J Osteoporos. 2011; 2011:540178. Marini J et al. Consortium for osteogenesis imperfecta mutations in the helical domain of type I collagen: regions rich in lethal mutations align with collagen binding sites for integrins and proteoglycans. Hum Mutat. 2007 Mar;28(3):209-21.